The following is an entry in ClinVar:

NM_006005.3(WFS1):c.1789A>C (p.Ile597Leu)

Gene: WFS1 (wolframin ER transmembrane glycoprotein; plus strand). Cytogenetic location: 4p16.1.
Variant type: single nucleotide variant.
Coding change: c.1789A>C on transcript NM_006005.3 (MANE Select); coding-DNA position 1789, A replaced by C.
Protein change: p.Ile597Leu; replaces isoleucine 597 with leucine.
Molecular consequence: missense variant.
Genome position (GRCh38, 1-based): chr4:6,301,584, A>C. VCF-style: chr4-6301584-A-C. GRCh37 (hg19) VCF-style: chr4-6303311-A-C.
Other names: c.1789A>C, p.Ile597Leu (NM_001145853.1); short protein forms I597L.
Identifiers: ClinVar variation 1513095 (VCV001513095.8), dbSNP rs1033692531, ClinGen allele CA356176852.

ClinVar aggregate classification (germline): Uncertain significance (1 of 4 stars; one submission).

gnomAD v4.1: 1 of 1,614,108 alleles (0.000062%); highest among the groups gnomAD compares: African/African-American, 0.0013%; no homozygotes.

Submission:

Labcorp Genetics (formerly Invitae), Labcorp
Classification: Uncertain significance. Last evaluated: 2023-11-24. Review status: criteria provided, single submitter. Criteria: Invitae Variant Classification Sherloc (09022015). Collection method: clinical testing. Allele origin: germline.
Comment: This sequence change replaces isoleucine, which is neutral and non-polar, with leucine, which is neutral and non-polar, at codon 597 of the WFS1 protein (p.Ile597Leu). This variant is not present in population databases (gnomAD no frequency). This variant has not been reported in the literature in individuals affected with WFS1-related conditions. ClinVar contains an entry for this variant (Variation ID: 1513095). Advanced modeling of protein sequence and biophysical properties (such as structural, functional, and spatial information, amino acid conservation, physicochemical variation, residue mobility, and thermodynamic stability) performed at Invitae indicates that this missense variant is not expected to disrupt WFS1 protein function with a negative predictive value of 95%. In summary, the available evidence is currently insufficient to determine the role of this variant in disease. Therefore, it has been classified as a Variant of Uncertain Significance.